The following is an entry in ClinVar:

ClinVar aggregate classification (germline): Conflicting classifications of pathogenicity. Review status: criteria provided, conflicting classifications (1 of 4 stars). 3 submissions from 3 submitters: Uncertain significance (2); Likely benign (1). Last evaluated 2023-10-17.

Conditions:
Hereditary cancer-predisposing syndrome. Also called: Neoplastic Syndromes, Hereditary; Tumor predisposition; Hereditary neoplastic syndrome; Hereditary Cancer Syndrome. Identifiers: Orphanet 140162, MedGen C0027672, MeSH D009386, MONDO:0015356.
Hereditary breast ovarian cancer syndrome. Also called: Hereditary breast and ovarian cancer syndrome; Hereditary breast and ovarian cancer; Hereditary breast and ovarian cancer syndrome (HBOC); Breast and ovarian cancer; Hereditary breast and/or ovarian cancer syndrome; BRCA1- and BRCA2-Associated Hereditary Breast and Ovarian Cancer. Identifiers: Orphanet 145, MedGen C0677776, MeSH D061325, MONDO:0003582. Disease mechanism: loss of function.

Submissions (3):

Labcorp Genetics (formerly Invitae), Labcorp
Classification: Uncertain significance for Hereditary breast ovarian cancer syndrome. Last evaluated: 2023-10-17. Review status: criteria provided, single submitter. Criteria: Invitae Variant Classification Sherloc (09022015). Collection method: clinical testing. Allele origin: germline.
Comment: This sequence change replaces serine, which is neutral and polar, with threonine, which is neutral and polar, at codon 767 of the BRCA1 protein (p.Ser767Thr). This variant is not present in population databases (gnomAD no frequency). This variant has not been reported in the literature in individuals affected with BRCA1-related conditions. ClinVar contains an entry for this variant (Variation ID: 628413). Advanced modeling of protein sequence and biophysical properties (such as structural, functional, and spatial information, amino acid conservation, physicochemical variation, residue mobility, and thermodynamic stability) performed at Invitae indicates that this missense variant is not expected to disrupt BRCA1 protein function. In summary, the available evidence is currently insufficient to determine the role of this variant in disease. Therefore, it has been classified as a Variant of Uncertain Significance.

University of Washington Department of Laboratory Medicine, University of Washington
Classification: Likely benign for Hereditary cancer-predisposing syndrome. Last evaluated: 2023-03-23. Review status: criteria provided, single submitter. Criteria: Dines et al. (Genet Med. 2020). Collection method: curation. Allele origin: germline.
Comment: Missense variant in a coldspot region where missense variants are very unlikely to be pathogenic (PMID:31911673).

BRCA1 coldspot (exon 11 using historical exon numbering). Reclassification based on statistical prior probability

Color Diagnostics, LLC DBA Color Health
Classification: Uncertain significance for Hereditary cancer-predisposing syndrome. Last evaluated: 2019-06-07. Review status: criteria provided, single submitter. Criteria: ACMG Guidelines, 2015. Collection method: clinical testing. Allele origin: germline.

NM_007294.4(BRCA1):c.2300G>C (p.Ser767Thr)

Gene: BRCA1 (BRCA1 DNA repair associated; minus strand). Cytogenetic location: 17q21.31.
Variant type: single nucleotide variant.
Coding change: c.2300G>C on transcript NM_007294.4 (MANE Select); coding-DNA position 2300, G replaced by C.
Protein change: p.Ser767Thr; replaces serine 767 with threonine.
Molecular consequence: missense variant. On other transcripts: intron variant (137).
Genome position (GRCh38, 1-based): chr17:43,093,231, C>G on the plus strand (G>C on the coding strand, the complement: BRCA1 is on the minus strand). VCF-style: chr17-43093231-C-G. GRCh37 (hg19) VCF-style: chr17-41245248-C-G.
Other names: c.574+1513G>C (NM_001408493.1, NM_001408490.1, NM_001408491.1); c.454+1513G>C (NM_001408502.1); c.577+1513G>C (NM_001408489.1, NM_001408479.1, NM_001408482.1 and 9 more transcripts); c.661+1513G>C (NM_001408445.1, NM_001408432.1, NM_001408450.1 and 6 more transcripts); c.668-2199G>C (NM_001408431.1, NM_001408424.1, NM_001408421.1); c.784+1513G>C (NM_001408407.1, NM_001408402.1, NM_001408473.1 and 13 more transcripts); c.664+1513G>C (NM_001408443.1, NM_001408439.1, NM_001408425.1 and 12 more transcripts); c.671-2199G>C (NM_001408419.1, NM_001408422.1, NM_001408418.1 and 2 more transcripts); and 41 more; short protein forms S767T, S720T, S639T, S656T, S697T, S725T, S655T, S679T.
Identifiers: ClinVar variation 628413 (VCV000628413.9), dbSNP rs1567796202, ClinGen allele CA10597401.